The following is an entry in ClinVar:

NM_003322.6(TULP1):c.1487C>T (p.Ala496Val)

Gene: TULP1 (TUB like protein 1; minus strand). Cytogenetic location: 6p21.31.
Variant type: single nucleotide variant.
Coding change: c.1487C>T on transcript NM_003322.6 (MANE Select); coding-DNA position 1487, C replaced by T.
Protein change: p.Ala496Val; replaces alanine 496 with valine.
Molecular consequence: missense variant.
Genome position (GRCh38, 1-based): chr6:35,499,989, G>A on the plus strand (C>T on the coding strand, the complement: TULP1 is on the minus strand). VCF-style: chr6-35499989-G-A. GRCh37 (hg19) VCF-style: chr6-35467766-G-A.
Other names: c.1487C>T (NM_003322.3); c.1328C>T, p.Ala443Val (NM_001289395.2); short protein forms A443V, A496V.
Identifiers: ClinVar variation 1062420 (VCV001062420.6), dbSNP rs1395715533, ClinGen allele CA363778440.

ClinVar aggregate classification (germline): Uncertain significance. Review status: criteria provided, multiple submitters, no conflicts (2 of 4 stars). 2 submissions from 2 submitters: Uncertain significance (2). Last evaluated 2025-09-24.

Conditions:
Inborn genetic diseases. Identifiers: MedGen C0950123, MeSH D030342.

Allele frequency attached by ClinVar (database versions not stated): gnomAD 0.00001; gnomAD exomes 0.00001; TOPMed 0.00001.
gnomAD v4.1: 9 of 1,614,000 alleles (0.00056%); highest among the groups gnomAD compares: African/African-American, 0.011%; no homozygotes.

Submissions (2):

Ambry Genetics
Classification: Uncertain significance for Inborn genetic diseases. Last evaluated: 2025-09-24. Review status: criteria provided, single submitter. Criteria: Ambry Variant Classification Scheme 2023. Collection method: clinical testing. Allele origin: germline.

Labcorp Genetics (formerly Invitae), Labcorp
Classification: Uncertain significance. Last evaluated: 2025-07-31. Review status: criteria provided, single submitter. Criteria: Invitae Variant Classification Sherloc (09022015). Collection method: clinical testing. Allele origin: germline.
Comment: This sequence change replaces alanine, which is neutral and non-polar, with valine, which is neutral and non-polar, at codon 496 of the TULP1 protein (p.Ala496Val). This variant is not present in population databases (gnomAD no frequency). This variant has not been reported in the literature in individuals affected with TULP1-related conditions. ClinVar contains an entry for this variant (Variation ID: 1062420). Invitae Evidence Modeling of protein sequence and biophysical properties (such as structural, functional, and spatial information, amino acid conservation, physicochemical variation, residue mobility, and thermodynamic stability) has been performed for this missense variant. However, the output from this modeling did not meet the statistical confidence thresholds required to predict the impact of this variant on TULP1 protein function. In summary, the available evidence is currently insufficient to determine the role of this variant in disease. Therefore, it has been classified as a Variant of Uncertain Significance.